The following is an entry in ClinVar:

NM_058216.3(RAD51C):c.814C>T (p.Leu272Phe)

Gene: RAD51C (RAD51 paralog C; plus strand). Cytogenetic location: 17q22.
Variant type: single nucleotide variant.
Coding change: c.814C>T on transcript NM_058216.3 (MANE Select); coding-DNA position 814, C replaced by T.
Protein change: p.Leu272Phe; replaces leucine 272 with phenylalanine.
Molecular consequence: missense variant. On other transcripts: non-coding transcript variant (1).
Genome position (GRCh38, 1-based): chr17:58,709,967, C>T. VCF-style: chr17-58709967-C-T. GRCh37 (hg19) VCF-style: chr17-56787328-C-T.
Other names: c.*242C>T (NM_058217.1); short protein forms L272F.
Identifiers: ClinVar variation 2988609 (VCV002988609.4), dbSNP rs2143854236, ClinGen allele CA400354296.
Genomic context (GRCh38, chr17:58,709,967, plus strand): 5'-CTAGATGACCTGTCTCTTCGTACTCGGTTATTAAATGGCCTAGCCCAGCAAATGATCAGC[C>T]TTGCAAATAATCACAGATTAGCTGTAAGTATTAACTAGTGAAGAGAGTTTTATAACAAAG-3'
Protein context (NP_478123.1, residues 262-282): LNGLAQQMIS[Leu272Phe]ANNHRLAVIL

ClinVar aggregate classification (germline): Uncertain significance. Review status: criteria provided, multiple submitters, no conflicts (2 of 4 stars). 2 submissions from 2 submitters: Uncertain significance (2). Last evaluated 2025-12-29.

Conditions:
Hereditary cancer-predisposing syndrome. Also called: Neoplastic Syndromes, Hereditary; Tumor predisposition; Hereditary Cancer Syndrome; Hereditary neoplastic syndrome. Identifiers: Orphanet 140162, MedGen C0027672, MeSH D009386, MONDO:0015356.
Fanconi anemia complementation group O. Also called: RAD51C-Related Fanconi Anemia. Identifiers: Orphanet 84, MedGen C3150653, MONDO:0013248, OMIM 613390.

Submissions (2):

Ambry Genetics
Classification: Uncertain significance for Hereditary cancer-predisposing syndrome. Last evaluated: 2025-12-29. Review status: criteria provided, single submitter. Criteria: Ambry Variant Classification Scheme 2023. Collection method: clinical testing. Allele origin: germline.
Comment: The p.L272F variant (also known as c.814C>T), located in coding exon 5 of the RAD51C gene, results from a C to T substitution at nucleotide position 814. The leucine at codon 272 is replaced by phenylalanine, an amino acid with highly similar properties. This amino acid position is conserved. In addition, this alteration is predicted to be tolerated by in silico analysis. Based on the available evidence, the clinical significance of this variant remains unclear.

Labcorp Genetics (formerly Invitae), Labcorp
Classification: Uncertain significance for Fanconi anemia complementation group O. Last evaluated: 2022-10-30. Review status: criteria provided, single submitter. Criteria: Invitae Variant Classification Sherloc (09022015). Collection method: clinical testing. Allele origin: germline.
Comment: In summary, the available evidence is currently insufficient to determine the role of this variant in disease. Therefore, it has been classified as a Variant of Uncertain Significance. Advanced modeling of protein sequence and biophysical properties (such as structural, functional, and spatial information, amino acid conservation, physicochemical variation, residue mobility, and thermodynamic stability) performed at Invitae indicates that this missense variant is not expected to disrupt RAD51C protein function. This variant has not been reported in the literature in individuals affected with RAD51C-related conditions. This variant is not present in population databases (gnomAD no frequency). This sequence change replaces leucine, which is neutral and non-polar, with phenylalanine, which is neutral and non-polar, at codon 272 of the RAD51C protein (p.Leu272Phe).